The following is an entry in ClinVar:

NM_001160372.4(TRAPPC9):c.456C>G (p.Ile152Met)

Gene: TRAPPC9 (trafficking protein particle complex subunit 9; minus strand). Cytogenetic location: 8q24.3.
Variant type: single nucleotide variant.
Coding change: c.456C>G on transcript NM_001160372.4 (MANE Select); coding-DNA position 456, C replaced by G.
Protein change: p.Ile152Met; replaces isoleucine 152 with methionine.
Molecular consequence: missense variant. On other transcripts: non-coding transcript variant (1).
Genome position (GRCh38, 1-based): chr8:140,450,918, G>C on the plus strand (C>G on the coding strand, the complement: TRAPPC9 is on the minus strand). VCF-style: chr8-140450918-G-C. GRCh37 (hg19) VCF-style: chr8-141461017-G-C.
Other names: c.456C>G, p.Ile152Met (NM_001321646.2, NM_001374682.1, NM_001374683.1 and 2 more transcripts); short protein forms I152M.
Identifiers: ClinVar variation 2906893 (VCV002906893.3), dbSNP rs61740786, ClinGen allele CA186536080.

ClinVar aggregate classification (germline): Uncertain significance (1 of 4 stars; one submission).

gnomAD v4.1: 2 of 1,614,010 alleles (0.00012%); highest among the groups gnomAD compares: Middle Eastern, 0.016%; no homozygotes.

Submission:

Labcorp Genetics (formerly Invitae), Labcorp
Classification: Uncertain significance. Last evaluated: 2024-10-17. Review status: criteria provided, single submitter. Criteria: Invitae Variant Classification Sherloc (09022015). Collection method: clinical testing. Allele origin: germline.
Comment: This sequence change replaces isoleucine, which is neutral and non-polar, with methionine, which is neutral and non-polar, at codon 250 of the TRAPPC9 protein (p.Ile250Met). This variant is not present in population databases (gnomAD no frequency). This variant has not been reported in the literature in individuals affected with TRAPPC9-related conditions. An algorithm developed to predict the effect of missense changes on protein structure and function (PolyPhen-2) suggests that this variant is likely to be disruptive. In summary, the available evidence is currently insufficient to determine the role of this variant in disease. Therefore, it has been classified as a Variant of Uncertain Significance.